The following is an entry in ClinVar:

ClinVar aggregate classification (germline): Likely benign. Review status: criteria provided, multiple submitters, no conflicts (2 of 4 stars). 2 submissions from 2 submitters: Likely benign (2). Last evaluated 2024-07-23.

Conditions:
Dyskeratosis congenita. Identifiers: Orphanet 1775, MedGen C0265965, MONDO:0015780.

Allele frequency attached by ClinVar (database versions not stated): gnomAD 0.00001; gnomAD exomes 0.00001 and 0.00002; TOPMed 0.00001; ExAC 0.00002.
gnomAD v4.1: 25 of 1,613,864 alleles (0.0015%); highest among the groups gnomAD compares: Middle Eastern, 0.016%; no homozygotes.

Submissions (2):

Labcorp Genetics (formerly Invitae), Labcorp
Classification: Likely benign for Dyskeratosis congenita. Last evaluated: 2024-07-23. Review status: criteria provided, single submitter. Criteria: Invitae Variant Classification Sherloc (09022015). Collection method: clinical testing. Allele origin: germline.

CeGaT Center for Human Genetics Tuebingen
Classification: Likely benign. Last evaluated: 2022-06-01. Review status: criteria provided, single submitter. Criteria: CeGaT Center For Human Genetics Tuebingen Variant Classification Criteria Version 2. Collection method: clinical testing. Allele origin: germline. Affected: yes. Observed: 1 variant allele.
Comment: CTC1: BP4, BP7

NM_025099.6(CTC1):c.2766G>A (p.Thr922=)

Gene: CTC1 (CST telomere replication complex component 1; minus strand). Cytogenetic location: 17p13.1.
Variant type: single nucleotide variant.
Coding change: c.2766G>A on transcript NM_025099.6 (MANE Select); coding-DNA position 2766, G replaced by A.
Protein change: p.Thr922=; no amino-acid change (threonine 922 retained).
Molecular consequence: synonymous variant. On other transcripts: non-coding transcript variant (1).
Genome position (GRCh38, 1-based): chr17:8,230,461, C>T on the plus strand (G>A on the coding strand, the complement: CTC1 is on the minus strand). VCF-style: chr17-8230461-C-T. GRCh37 (hg19) VCF-style: chr17-8133779-C-T.
Identifiers: ClinVar variation 1121647 (VCV001121647.32), dbSNP rs775342727, ClinGen allele CA8371972.